The following is an entry in ClinVar:

ClinVar aggregate classification (germline): Uncertain significance (1 of 4 stars; one submission).

Conditions:
GNAS-related disorder. Identifiers: MedGen CN380105.

Submission:

PreventionGenetics, part of Exact Sciences
Classification: Uncertain significance for GNAS-related condition. Last evaluated: 2025-10-09. Review status: criteria provided, single submitter. Criteria: ACMG Guidelines, 2015. Collection method: clinical testing. Allele origin: germline.
Comment: The GNAS c.1323_1394del72 variant is predicted to result in an in-frame deletion (p.Ser443_Asp466del). This variant is a pre-coding variant in the primary transcript (c.-37139_-37068del based on NM_000516). To our knowledge, it has not been reported in the literature or in a large population database, indicating this variant is rare. At this time, the clinical significance of this variant is uncertain due to the absence of conclusive functional and genetic evidence.

NM_080425.4(GNAS):c.1323_1394del (p.Ser443_Asp466del)

Gene: GNAS (GNAS complex locus; plus strand). Cytogenetic location: 20q13.32.
Variant type: Deletion.
Coding change: c.1323_1394del on transcript NM_080425.4 (MANE Plus Clinical); coding-DNA positions 1323 to 1394, 72 bases deleted.
Protein change: p.Ser443_Asp466del.
Molecular consequence: inframe deletion. On other transcripts: intron variant (3).
Genome position (GRCh38, 1-based): chr20:58,854,588-58,854,659, 72 bases deleted. GRCh37 (hg19): chr20:57,429,643-57,429,714.
Other names: c.1136_1207del, p.Pro379_Ile402del (NM_001077490.3, NM_001309883.1); c.1323_1394del, p.Ser443_Asp466del (NM_001410913.1); c.*42+13702_*42+13773del (NM_016592.5); c.43+13702_43+13773del (NM_001410912.1); c.-39+12713_-39+12784del (NM_001309861.2).
Identifiers: ClinVar variation 4984795 (VCV004984795.1).